The following is an entry in ClinVar:

ClinVar aggregate classification (germline): Uncertain significance. Review status: criteria provided, multiple submitters, no conflicts (2 of 4 stars). 2 submissions from 2 submitters: Uncertain significance (2). Last evaluated 2024-02-27.

Conditions:
Retinitis pigmentosa 12 (RP12). Also called: RP WITH OR WITHOUT PRESERVED PARAARTERIOLE RETINAL PIGMENT EPITHELIUM; RETINITIS PIGMENTOSA WITH OR WITHOUT PARAARTERIOLAR PRESERVATION OF RETINAL PIGMENT EPITHELIUM; RP WITH OR WITHOUT PPRPE. Identifiers: Orphanet 791, MedGen C1838647, MONDO:0010818, OMIM 600105.
Leber congenital amaurosis 8 (LCA8). Identifiers: Orphanet 65, MedGen C3151202, MONDO:0013453, OMIM 613835.
Inborn genetic diseases. Identifiers: MedGen C0950123, MeSH D030342.

Allele frequency attached by ClinVar (database versions not stated): gnomAD exomes 0.00001 and 0.00002; gnomAD 0.00002; TOPMed 0.00002.
gnomAD v4.1: 38 of 1,614,098 alleles (0.0024%); highest among the groups gnomAD compares: Admixed American, 0.0083%; no homozygotes.

Submissions (2):

Ambry Genetics
Classification: Uncertain significance for Inborn genetic diseases. Last evaluated: 2024-02-27. Review status: criteria provided, single submitter. Criteria: Ambry Variant Classification Scheme 2023. Collection method: clinical testing. Allele origin: germline.

Labcorp Genetics (formerly Invitae), Labcorp
Classification: Uncertain significance for Leber congenital amaurosis 8; Retinitis pigmentosa 12. Last evaluated: 2022-10-05. Review status: criteria provided, single submitter. Criteria: Invitae Variant Classification Sherloc (09022015). Collection method: clinical testing. Allele origin: germline.
Comment: This sequence change replaces glutamic acid, which is acidic and polar, with lysine, which is basic and polar, at codon 489 of the CRB1 protein (p.Glu489Lys). This variant is present in population databases (no rsID available, gnomAD 0.009%). This variant has not been reported in the literature in individuals affected with CRB1-related conditions. ClinVar contains an entry for this variant (Variation ID: 1492097). Algorithms developed to predict the effect of missense changes on protein structure and function (SIFT, PolyPhen-2, Align-GVGD) all suggest that this variant is likely to be tolerated. In summary, the available evidence is currently insufficient to determine the role of this variant in disease. Therefore, it has been classified as a Variant of Uncertain Significance.

NM_201253.3(CRB1):c.1465G>A (p.Glu489Lys)

Gene: CRB1 (crumbs cell polarity complex component 1; plus strand). Cytogenetic location: 1q31.3.
Variant type: single nucleotide variant.
Coding change: c.1465G>A on transcript NM_201253.3 (MANE Select); coding-DNA position 1465, G replaced by A.
Protein change: p.Glu489Lys; replaces glutamic acid 489 with lysine.
Molecular consequence: missense variant. On other transcripts: non-coding transcript variant (2).
Genome position (GRCh38, 1-based): chr1:197,421,293, G>A. VCF-style: chr1-197421293-G-A. GRCh37 (hg19) VCF-style: chr1-197390423-G-A.
Other names: c.1129G>A, p.Glu377Lys (NM_001193640.2); c.1258G>A, p.Glu420Lys (NM_001257965.2); c.1465G>A, p.Glu489Lys (NM_001257966.2); c.1465G>A (NM_201253.2); short protein forms E420K, E489K, E377K.
Identifiers: ClinVar variation 1492097 (VCV001492097.4), dbSNP rs1389085632, ClinGen allele CA344031026.
Genomic context (GRCh38, chr1:197,421,293, plus strand): 5'-TGCCTATGTCCATCTGGCTACACCGGGTCCCTGTGTGAAATCGCAACCACACTTTCATTT[G>A]AGGGCGATGGCTTCCTGTGGGTCAAAAGTGGCTCAGTGACAACCAAGGGCTCAGTTTGTA-3'
Protein context (NP_957705.1, residues 479-499): LCEIATTLSF[Glu489Lys]GDGFLWVKSG